The following is an entry in ClinVar:

ClinVar aggregate classification (germline): Uncertain significance (1 of 4 stars; one submission).

Submission:

Labcorp Genetics (formerly Invitae), Labcorp
Classification: Uncertain significance. Last evaluated: 2024-03-20. Review status: criteria provided, single submitter. Criteria: Invitae Variant Classification Sherloc (09022015). Collection method: clinical testing. Allele origin: germline.
Comment: This sequence change affects codon 113 of the MC3R mRNA. It is a 'silent' change, meaning that it does not change the encoded amino acid sequence of the MC3R protein. This variant is present in population databases (rs752545685, gnomAD 0.006%). This variant has not been reported in the literature in individuals affected with MC3R-related conditions. In summary, the available evidence is currently insufficient to determine the role of this variant in disease. Therefore, it has been classified as a Variant of Uncertain Significance.

NM_019888.3(MC3R):c.339C>T (p.Ile113=)

Gene: MC3R (melanocortin 3 receptor; plus strand). Cytogenetic location: 20q13.2.
Variant type: single nucleotide variant.
Coding change: c.339C>T on transcript NM_019888.3 (MANE Select); coding-DNA position 339, C replaced by T.
Protein change: p.Ile113=; no amino-acid change (isoleucine 113 retained).
Molecular consequence: synonymous variant.
Genome position (GRCh38, 1-based): chr20:56,249,182, C>T. VCF-style: chr20-56249182-C-T. GRCh37 (hg19) VCF-style: chr20-54824238-C-T.
Identifiers: ClinVar variation 3615625 (VCV003615625.2).